The following is an entry in ClinVar:

NM_024649.5(BBS1):c.1534C>T (p.Arg512Cys)

Genes: BBS1 (Bardet-Biedl syndrome 1; plus strand), ZDHHC24 (zDHHC palmitoyltransferase 24; minus strand). Cytogenetic location: 11q13.2.
Variant type: single nucleotide variant.
Coding change: c.1534C>T on transcript NM_024649.5 (MANE Select); coding-DNA position 1534, C replaced by T.
Protein change: p.Arg512Cys; replaces arginine 512 with cysteine.
Molecular consequence: missense variant. On other transcripts: intron variant (1).
Genome position (GRCh38, 1-based): chr11:66,530,954, C>T. VCF-style: chr11-66530954-C-T. GRCh37 (hg19) VCF-style: chr11-66298425-C-T.
Other names: c.560-1466G>A (NM_001348571.2); short protein forms R512C.
Identifiers: ClinVar variation 2194205 (VCV002194205.4), dbSNP rs369653969, ClinGen allele CA6123804.

ClinVar aggregate classification (germline): Uncertain significance. Review status: criteria provided, multiple submitters, no conflicts (2 of 4 stars). 3 submissions from 3 submitters: Uncertain significance (2). 1 of the submissions does not count toward it. Last evaluated 2025-09-08.

Conditions:
Retinal dystrophy. Also called: Inherited retinal dystrophy. Identifiers: Orphanet 71862, MedGen C0854723, MeSH D058499, MONDO:0019118, HP:0000556.
Bardet-Biedl syndrome (BBS). Identifiers: Orphanet 110, MedGen C0752166, MONDO:0015229.

gnomAD v4.1: 17 of 1,614,236 alleles (0.0011%); highest among the groups gnomAD compares: East Asian, 0.02%; no homozygotes.

Submissions (3):

Labcorp Genetics (formerly Invitae), Labcorp
Classification: Uncertain significance for Bardet-Biedl syndrome. Last evaluated: 2025-09-08. Review status: criteria provided, single submitter. Criteria: Invitae Variant Classification Sherloc (09022015). Collection method: clinical testing. Allele origin: germline.
Comment: This sequence change replaces arginine, which is basic and polar, with cysteine, which is neutral and slightly polar, at codon 512 of the BBS1 protein (p.Arg512Cys). This variant is present in population databases (rs369653969, gnomAD 0.02%). This variant has not been reported in the literature in individuals affected with BBS1-related conditions. ClinVar contains an entry for this variant (Variation ID: 2194205). Invitae Evidence Modeling of protein sequence and biophysical properties (such as structural, functional, and spatial information, amino acid conservation, physicochemical variation, residue mobility, and thermodynamic stability) has been performed for this missense variant. However, the output from this modeling did not meet the statistical confidence thresholds required to predict the impact of this variant on BBS1 protein function. In summary, the available evidence is currently insufficient to determine the role of this variant in disease. Therefore, it has been classified as a Variant of Uncertain Significance.

Dept Of Ophthalmology, Nagoya University
Classification: Uncertain significance for Retinal dystrophy. Last evaluated: 2023-10-01. Review status: criteria provided, single submitter. Criteria: Submitter's publication. Collection method: research. Allele origin: germline. Affected: yes.

Institute of Human Genetics, Univ. Regensburg, Univ. Regensburg
Classification: Uncertain significance for Retinal dystrophy. Last evaluated: 2022-01-01. Review status: no assertion criteria provided. Criteria: ACMG Guidelines, 2015. Collection method: clinical testing. Allele origin: germline. Affected: yes. Not counted in ClinVar's aggregate classification.